The following is an entry in ClinVar:

NM_003628.6(PKP4):c.2019C>G (p.Asn673Lys)

Gene: PKP4 (plakophilin 4; plus strand). Cytogenetic location: 2q24.1.
Variant type: single nucleotide variant.
Coding change: c.2019C>G on transcript NM_003628.6 (MANE Select); coding-DNA position 2019, C replaced by G.
Protein change: p.Asn673Lys; replaces asparagine 673 with lysine.
Molecular consequence: missense variant.
Genome position (GRCh38, 1-based): chr2:158,658,240, C>G. VCF-style: chr2-158658240-C-G. GRCh37 (hg19) VCF-style: chr2-159514752-C-G.
Other names: c.2019C>G, p.Asn673Lys (NM_001005476.4, NM_001304971.2, NM_001377218.1 and 1 more transcripts); c.2016C>G, p.Asn672Lys (NM_001304969.3, NM_001377219.1, NM_001377220.1 and 2 more transcripts); c.990C>G, p.Asn330Lys (NM_001304970.3); c.2013C>G, p.Asn671Lys (NM_001377222.1, NM_001377223.1); c.2010C>G, p.Asn670Lys (NM_001377224.1); short protein forms N330K, N672K, N673K, N670K, N671K.
Identifiers: ClinVar variation 3419573 (VCV003419573.1).
Genomic context (GRCh38, chr2:158,658,240, plus strand): 5'-TCGAGATGCTCTCTCAACCTTAACAAACACTGTGATTGTTCCACATTCTGGATGGAATAA[C>G]TCTTCTTTTGATGATGATCATAAAATTAAATTTCAGACTTCACTAGTTCTGCGTAACACG-3'
Protein context (NP_003619.2, residues 663-683): TVIVPHSGWN[Asn673Lys]SSFDDDHKIK

ClinVar aggregate classification (germline): Uncertain significance (1 of 4 stars; one submission).

gnomAD v4.1: 2 of 1,602,608 alleles (0.00012%); highest among the groups gnomAD compares: Non-Finnish European, 0.00017%; no homozygotes.

Submission:

Ambry Genetics
Classification: Uncertain significance. Last evaluated: 2024-09-02. Review status: criteria provided, single submitter. Criteria: Ambry Variant Classification Scheme 2023. Collection method: clinical testing. Allele origin: germline.
Comment: The p.N673K variant (also known as c.2019C>G), located in coding exon 11 of the PKP4 gene, results from a C to G substitution at nucleotide position 2019. The asparagine at codon 673 is replaced by lysine, an amino acid with similar properties. This amino acid position is conserved. In addition, this alteration is predicted to be tolerated by in silico analysis. Based on the available evidence, the clinical significance of this variant remains unclear.